The following is an entry in ClinVar:

ClinVar aggregate classification (germline): Benign/Likely benign. Review status: criteria provided, multiple submitters, no conflicts (2 of 4 stars). 4 submissions from 4 submitters: Benign (1); Likely benign (3). Last evaluated 2026-01-10.

Conditions:
Hereditary cancer-predisposing syndrome. Also called: Tumor predisposition; Neoplastic Syndromes, Hereditary; Hereditary neoplastic syndrome; Hereditary Cancer Syndrome. Identifiers: Orphanet 140162, MedGen C0027672, MeSH D009386, MONDO:0015356.
BAP1-related tumor predisposition syndrome (TPDS1). Also called: BAP1 tumor predisposition syndrome; Tumor susceptibility linked to germline BAP1 mutations; COMMON Syndrome; TUMOR PREDISPOSITION SYNDROME 1. Identifiers: Orphanet 289539, MedGen C3280492, MONDO:0013692, OMIM 614327.

Allele frequency attached by ClinVar (database versions not stated): ExAC 0.00001; gnomAD exomes 0.00001 and 0.00002; TOPMed 0.00008.
gnomAD v4.1: 10 of 1,614,214 alleles (0.00062%); highest among the groups gnomAD compares: East Asian, 0.013%; no homozygotes.

Submissions (4):

Labcorp Genetics (formerly Invitae), Labcorp
Classification: Likely benign for BAP1-related tumor predisposition syndrome. Last evaluated: 2026-01-10. Review status: criteria provided, single submitter. Criteria: Invitae Variant Classification Sherloc (09022015). Collection method: clinical testing. Allele origin: germline.

Myriad Genetics, Inc.
Classification: Benign for BAP1-related tumor predisposition syndrome. Last evaluated: 2024-07-16. Review status: criteria provided, single submitter. Criteria: Myriad Autosomal Dominant, Autosomal Recessive and X-Linked Classification Criteria (2023). Collection method: clinical testing. Allele origin: unknown.
Comment: This variant is considered benign. This variant is a silent/synonymous amino acid change and it is not expected to impact splicing.

Ambry Genetics
Classification: Likely benign for Hereditary cancer-predisposing syndrome. Last evaluated: 2018-09-06. Review status: criteria provided, single submitter. Criteria: Ambry Variant Classification Scheme 2023. Collection method: clinical testing. Allele origin: germline.

Color Diagnostics, LLC DBA Color Health
Classification: Likely benign for Hereditary cancer-predisposing syndrome. Last evaluated: 2016-08-05. Review status: criteria provided, single submitter. Criteria: ACMG Guidelines, 2015. Collection method: clinical testing. Allele origin: germline.

NM_004656.4(BAP1):c.1536C>T (p.Arg512=)

Gene: BAP1 (BRCA1 associated deubiquitinase 1; minus strand). Cytogenetic location: 3p21.1.
Variant type: single nucleotide variant.
Coding change: c.1536C>T on transcript NM_004656.4 (MANE Select); coding-DNA position 1536, C replaced by T.
Protein change: p.Arg512=; no amino-acid change (arginine 512 retained).
Molecular consequence: synonymous variant.
Genome position (GRCh38, 1-based): chr3:52,403,609, G>A on the plus strand (C>T on the coding strand, the complement: BAP1 is on the minus strand). VCF-style: chr3-52403609-G-A. GRCh37 (hg19) VCF-style: chr3-52437625-G-A.
Other names: c.1536C>T (LRG_529t1).
Identifiers: ClinVar variation 417287 (VCV000417287.18), dbSNP rs754653135, ClinGen allele CA2436783.
Genomic context (GRCh38, chr3:52,403,609, plus strand): 5'-AAAAAGCACCTTGGAGATGTGGGAGGTGACAGGGCTGGAGGGCCGCGTCGGGTTGGCTGA[G>A]CGGATAGGCGAGCGCAGTGGCGAGTTGAAAGCACTGCCGATCTCAGAGGCCGTGTCTGTA-3'
Protein context (NP_004647.1, residues 502-522): AFNSPLRSPI[Arg512=]SANPTRPSSP